The following is an entry in ClinVar:

ClinVar aggregate classification (germline): Pathogenic (1 of 4 stars; one submission).

Conditions:
Cystinosis. Also called: Cystine diathesis; Cystine storage disease; Cystinoses. Identifiers: Orphanet 213, MedGen C4316899, MONDO:0016239.

Submission:

Myriad Genetics, Inc.
Classification: Pathogenic for Cystinosis. Last evaluated: 2025-06-15. Review status: criteria provided, single submitter. Criteria: Myriad Autosomal Dominant, Autosomal Recessive and X-Linked Classification Criteria (2023). Collection method: clinical testing. Allele origin: unknown.
Comment: NM_004937.2(CTNS):c.258_262del5(F87Sfs*36) is expected to be pathogenic in the context of cystinosis. This variant is predicted to lead to an abnormal or absent protein product due to the creation of a premature termination codon in CTNS, a gene where loss-of-function variants are known to be pathogenic. Please note: this variant was assessed in the context of healthy population screening.

NM_004937.3(CTNS):c.258_262del (p.Phe87fs)

Genes: CTNS (cystinosin, lysosomal cystine transporter; plus strand), CTNS-AS1 (CTNS antisense RNA 1; minus strand). Cytogenetic location: 17p13.2.
Variant type: Deletion.
Coding change: c.258_262del on transcript NM_004937.3 (MANE Select); coding-DNA positions 258 to 262, 5 bases deleted (TTTTC; older notation c.258_262delTTTTC).
Protein change: p.Phe87fs; shifts the reading frame from phenylalanine 87.
Molecular consequence: frameshift variant. On other transcripts: 5 prime UTR variant (4).
Genome position (GRCh38, 1-based): chr17:3,655,030-3,655,034, TTTTC deleted; deleting any 5 consecutive bases within chr17:3,655,028-3,655,034 gives the same sequence; the c. name uses the placement nearest the transcript's 3' end. VCF-style (leftmost placement, unchanged base first): chr17-3655027-CTCTTT-C. GRCh37 (hg19) VCF-style: chr17-3558321-CTCTTT-C.
Other names: c.258_262del, p.Phe87fs (NM_001031681.3, NM_001374492.1); c.-184_-180del (NM_001374493.1, NM_001374494.1, NM_001374495.1 and 1 more transcripts); short protein forms F87fs.
Identifiers: ClinVar variation 5014607 (VCV005014607.1).